The following is an entry in ClinVar:

ClinVar aggregate classification (germline): Uncertain significance. Review status: criteria provided, multiple submitters, no conflicts (2 of 4 stars). 2 submissions from 2 submitters: Uncertain significance (2). Last evaluated 2025-09-17.

Conditions:
Early-infantile DEE. Also called: Early infantile epileptic encephalopathy; Ohtahara syndrome; Early infantile epileptic encephalopathy with suppression bursts. Identifiers: Orphanet 1934, MedGen C0393706, MONDO:0800491.

Submissions (2):

GeneDx
Classification: Uncertain significance. Last evaluated: 2025-09-17. Review status: criteria provided, single submitter. Criteria: GeneDx Variant Classification Process June 2021. Collection method: clinical testing. Allele origin: germline. Affected: yes.
Comment: Not observed at significant frequency in large population cohorts (gnomAD); In silico analysis supports a deleterious effect on splicing; Has not been previously published as pathogenic or benign to our knowledge

Labcorp Genetics (formerly Invitae), Labcorp
Classification: Uncertain significance for Early-infantile DEE. Last evaluated: 2024-04-27. Review status: criteria provided, single submitter. Criteria: Invitae Variant Classification Sherloc (09022015). Collection method: clinical testing. Allele origin: germline.
Comment: This sequence change falls in intron 6 of the KCNQ2 gene. It does not directly change the encoded amino acid sequence of the KCNQ2 protein. It affects a nucleotide within the consensus splice site. This variant is not present in population databases (gnomAD no frequency). This variant has not been reported in the literature in individuals affected with KCNQ2-related conditions. Variants that disrupt the consensus splice site are a relatively common cause of aberrant splicing (PMID: 17576681, 9536098). Algorithms developed to predict the effect of sequence changes on RNA splicing suggest that this variant may disrupt the consensus splice site. In summary, the available evidence is currently insufficient to determine the role of this variant in disease. Therefore, it has been classified as a Variant of Uncertain Significance.

Literature cited by the submitters: PubMed 17576681 (cited by Labcorp Genetics (formerly Invitae), Labcorp); PubMed 9536098 (cited by Labcorp Genetics (formerly Invitae), Labcorp).

NM_172107.4(KCNQ2):c.928-3C>A

Gene: KCNQ2 (potassium voltage-gated channel subfamily Q member 2; minus strand). Cytogenetic location: 20q13.33.
Variant type: single nucleotide variant.
Coding change: c.928-3C>A on transcript NM_172107.4 (MANE Select); 3 bases into the intron before coding-DNA position 928, C replaced by A.
Molecular consequence: intron variant.
Genome position (GRCh38, 1-based): chr20:63,438,723, G>T on the plus strand (C>A on the coding strand, the complement: KCNQ2 is on the minus strand). VCF-style: chr20-63438723-G-T. GRCh37 (hg19) VCF-style: chr20-62070076-G-T.
Other names: c.928-3C>A (NM_004518.6, NM_172108.5, NM_172106.3 and 2 more transcripts).
Identifiers: ClinVar variation 3651336 (VCV003651336.3).